The following is an entry in ClinVar:

NM_000474.4(TWIST1):c.271_279dup (p.Ser93_Ser94insGlyGlySer)

Gene: TWIST1 (twist family bHLH transcription factor 1; minus strand). Cytogenetic location: 7p21.1.
Variant type: Duplication.
Coding change: c.271_279dup on transcript NM_000474.4 (MANE Select); coding-DNA positions 271 to 279, 9 bases duplicated (GGCGGCAGC; older notation c.271_279dupGGCGGCAGC).
Protein change: p.Ser93_Ser94insGlyGlySer.
Molecular consequence: non-coding transcript variant (on NR_149001.2).
Genome position (GRCh38, 1-based): chr7:19,117,043-19,117,051, GCTGCCGCC duplicated on the plus strand (GGCGGCAGC on the coding strand, the reverse complement: TWIST1 is on the minus strand); duplicating any 9 consecutive bases within chr7:19,117,043-19,117,053 gives the same sequence; the c. name uses the placement nearest the transcript's 3' end. VCF-style (leftmost placement, unchanged base first): chr7-19117042-T-TGCTGCCGCC. GRCh37 (hg19) VCF-style: chr7-19156665-T-TGCTGCCGCC.
Identifiers: ClinVar variation 4083185 (VCV004083185.1).
Genomic context (GRCh38, chr7:19,117,042, plus strand): 5'-TGGCCATGACCCGCTGCGTCTGCAGCTCCTCGTAAGACTGCGGACTCCCGCCGCCGCTGC[T>TGCTGCCGCC]GCTGCCGCCGCCGCCGCCCGCGCCGCCGCCGCCGCCACAGCCCGCAGACTTCTTGCCGCG-3'

ClinVar aggregate classification (germline): Uncertain significance (1 of 4 stars; one submission).

Submission:

GeneDx
Classification: Uncertain significance. Last evaluated: 2025-03-11. Review status: criteria provided, single submitter. Criteria: GeneDx Variant Classification Process June 2021. Collection method: clinical testing. Allele origin: germline. Affected: yes.
Comment: In-frame duplication of 3 amino acid(s) in a non-repeat region; Not observed at significant frequency in large population cohorts (gnomAD); Has not been previously published as pathogenic or benign to our knowledge